The following is an entry in ClinVar:

NM_001291303.3(FAT4):c.7358G>T (p.Ser2453Ile)

Gene: FAT4 (FAT atypical cadherin 4; plus strand). Cytogenetic location: 4q28.1.
Variant type: single nucleotide variant.
Coding change: c.7358G>T on transcript NM_001291303.3 (MANE Select); coding-DNA position 7358, G replaced by T.
Protein change: p.Ser2453Ile; replaces serine 2453 with isoleucine.
Molecular consequence: missense variant.
Genome position (GRCh38, 1-based): chr4:125,446,451, G>T. VCF-style: chr4-125446451-G-T. GRCh37 (hg19) VCF-style: chr4-126367606-G-T.
Other names: c.7358G>T, p.Ser2453Ile (NM_001291285.3); c.7352G>T, p.Ser2451Ile (NM_024582.6); short protein forms S2451I, S2453I.
Identifiers: ClinVar variation 435176 (VCV000435176.44), dbSNP rs72914988, ClinGen allele CA3073166.

ClinVar aggregate classification (germline): Benign/Likely benign. Review status: criteria provided, multiple submitters, no conflicts (2 of 4 stars). 7 submissions from 7 submitters: Benign (1); Likely benign (5). 1 of the submissions does not count toward it. Last evaluated 2026-06-01.

Conditions:
Inborn genetic diseases. Identifiers: MedGen C0950123, MeSH D030342.
FAT4-related disorder. Also called: FAT4-related condition.

Allele frequency attached by ClinVar (database versions not stated): gnomAD 0.00316 and 0.00327; 1000 Genomes Project 0.00319; 1000 Genomes Project 30x 0.00344; TOPMed 0.00388; gnomAD exomes 0.00103 and 0.00167; ExAC 0.00147; ESP Exome Variant Server 0.00284.
gnomAD v4.1: 2,077 of 1,613,542 alleles (0.13%); highest among the groups gnomAD compares: African/African-American, 0.63%; 11 homozygotes.

Submissions (7):

CeGaT Center for Human Genetics Tuebingen
Classification: Likely benign. Last evaluated: 2026-06-01. Review status: criteria provided, single submitter. Criteria: CeGaT Center For Human Genetics Tuebingen Variant Classification Criteria Version 2. Collection method: clinical testing. Allele origin: germline. Affected: yes. Observed: 6 variant alleles.
Comment: FAT4: BP4, BS2

Labcorp Genetics (formerly Invitae), Labcorp
Classification: Likely benign. Last evaluated: 2026-01-18. Review status: criteria provided, single submitter. Criteria: Invitae Variant Classification Sherloc (09022015). Collection method: clinical testing. Allele origin: germline.

Ambry Genetics
Classification: Likely benign for Inborn genetic diseases. Last evaluated: 2022-03-25. Review status: criteria provided, single submitter. Criteria: Ambry Variant Classification Scheme 2023. Collection method: clinical testing. Allele origin: germline.

GeneDx
Classification: Benign. Last evaluated: 2020-07-16. Review status: criteria provided, single submitter. Criteria: GeneDx Variant Classification Process June 2021. Collection method: clinical testing. Allele origin: germline. Affected: yes.

Genetic Services Laboratory, University of Chicago
Classification: Likely benign. Last evaluated: 2016-09-14. Review status: criteria provided, single submitter. Criteria: ACMG Guidelines, 2015. Collection method: clinical testing. Allele origin: germline. Affected: no.

Breakthrough Genomics
Classification: Likely benign. Review status: criteria provided, single submitter. Criteria: ACMG Guidelines, 2015. Collection method: not provided. Allele origin: germline. Inheritance: Autosomal recessive inheritance. Affected: yes.

PreventionGenetics, part of Exact Sciences
Classification: Likely benign for FAT4-related condition. Last evaluated: 2020-03-04. Review status: no assertion criteria provided. Collection method: clinical testing. Allele origin: germline. Not counted in ClinVar's aggregate classification.
Comment: This variant is classified as likely benign based on ACMG/AMP sequence variant interpretation guidelines (Richards et al. 2015 PMID: 25741868, with internal and published modifications).